The following is an entry in ClinVar:

NM_000388.4(CASR):c.844G>A (p.Glu282Lys)

Gene: CASR (calcium sensing receptor; plus strand). Cytogenetic location: 3q21.1.
Variant type: single nucleotide variant.
Coding change: c.844G>A on transcript NM_000388.4 (MANE Select); coding-DNA position 844, G replaced by A.
Protein change: p.Glu282Lys; replaces glutamic acid 282 with lysine.
Molecular consequence: missense variant.
Genome position (GRCh38, 1-based): chr3:122,261,879, G>A. VCF-style: chr3-122261879-G-A. GRCh37 (hg19) VCF-style: chr3-121980726-G-A.
Other names: c.844G>A, p.Glu282Lys (NM_001178065.2); short protein forms E282K.
Identifiers: ClinVar variation 579763 (VCV000579763.10), dbSNP rs1269873145, ClinGen allele CA354151476.

ClinVar aggregate classification (germline): Uncertain significance. Review status: criteria provided, multiple submitters, no conflicts (2 of 4 stars). 2 submissions from 2 submitters: Uncertain significance (2). Last evaluated 2023-08-04.

Conditions:
Familial hypocalciuric hypercalcemia (FHH). Also called: Familial benign hypercalcemia. Identifiers: Orphanet 405, MedGen C1809471, MONDO:0018458.
Autosomal dominant hypocalcemia 1 (HYPOC1). Also called: HYPOCALCEMIA, FAMILIAL. Identifiers: MedGen C3715128, MONDO:0011013, OMIM 601198.
Nephrolithiasis/nephrocalcinosis. Identifiers: MedGen CN580796.

Allele frequency attached by ClinVar (database versions not stated): gnomAD exomes below 0.00001; gnomAD 0.00001; TOPMed 0.00001.
gnomAD v4.1: 3 of 1,614,116 alleles (0.00019%); highest among the groups gnomAD compares: Non-Finnish European, 0.00025%; no homozygotes.

Submissions (2):

Ambry Genetics
Classification: Uncertain significance for Nephrolithiasis/nephrocalcinosis. Last evaluated: 2023-08-04. Review status: criteria provided, single submitter. Criteria: Ambry Variant Classification Scheme 2023. Collection method: clinical testing. Allele origin: germline.
Comment: The p.E282K variant (also known as c.844G>A), located in coding exon 3 of the CASR gene, results from a G to A substitution at nucleotide position 844. The glutamic acid at codon 282 is replaced by lysine, an amino acid with similar properties. This amino acid position is conserved. In addition, this alteration is predicted to be deleterious by in silico analysis. Since supporting evidence is limited at this time, the clinical significance of this alteration remains unclear.

Labcorp Genetics (formerly Invitae), Labcorp
Classification: Uncertain significance for Familial hypocalciuric hypercalcemia; Autosomal dominant hypocalcemia 1. Last evaluated: 2022-11-23. Review status: criteria provided, single submitter. Criteria: Invitae Variant Classification Sherloc (09022015). Collection method: clinical testing. Allele origin: germline.
Comment: This sequence change replaces glutamic acid, which is acidic and polar, with lysine, which is basic and polar, at codon 282 of the CASR protein (p.Glu282Lys). In summary, the available evidence is currently insufficient to determine the role of this variant in disease. Therefore, it has been classified as a Variant of Uncertain Significance. Algorithms developed to predict the effect of missense changes on protein structure and function (SIFT, PolyPhen-2, Align-GVGD) all suggest that this variant is likely to be disruptive. ClinVar contains an entry for this variant (Variation ID: 579763). This variant has not been reported in the literature in individuals affected with CASR-related conditions. This variant is present in population databases (no rsID available, gnomAD 0.0009%).